The following is an entry in ClinVar:

NM_001709.5(BDNF):c.190G>A (p.Glu64Lys)

Genes: BDNF (brain derived neurotrophic factor; minus strand), BDNF-AS (BDNF antisense RNA; plus strand). Cytogenetic location: 11p14.1.
Variant type: single nucleotide variant.
Coding change: c.190G>A on transcript NM_001709.5 (MANE Select); coding-DNA position 190, G replaced by A.
Protein change: p.Glu64Lys; replaces glutamic acid 64 with lysine.
Molecular consequence: missense variant. On other transcripts: non-coding transcript variant (5).
Genome position (GRCh38, 1-based): chr11:27,658,375, C>T on the plus strand (G>A on the coding strand, the complement: BDNF is on the minus strand). VCF-style: chr11-27658375-C-T. GRCh37 (hg19) VCF-style: chr11-27679922-C-T.
Other names: c.190G>A, p.Glu64Lys (NM_001143805.1, NM_001143806.1, NM_001143807.2 and 9 more transcripts); c.277G>A, p.Glu93Lys (NM_001143809.2); c.436G>A, p.Glu146Lys (NM_001143810.2); c.214G>A, p.Glu72Lys (NM_170731.5); c.235G>A, p.Glu79Lys (NM_170734.4); short protein forms E146K, E64K, E72K, E79K, E93K.
Identifiers: ClinVar variation 3355067 (VCV003355067.1).

ClinVar aggregate classification (germline): Uncertain significance (0 of 4 stars; one submission).

Conditions:
BDNF-related disorder. Also called: BDNF-related condition.

gnomAD v4.1: 8 of 1,614,160 alleles (0.0005%); highest among the groups gnomAD compares: East Asian, 0.0022%; no homozygotes.

Submission:

PreventionGenetics, part of Exact Sciences
Classification: Uncertain significance for BDNF-related condition. Last evaluated: 2024-08-05. Review status: no assertion criteria provided. Collection method: clinical testing. Allele origin: germline.
Comment: The BDNF c.436G>A variant is predicted to result in the amino acid substitution p.Glu146Lys. To our knowledge, this variant has not been reported in the literature. This variant is reported in 0.0054% of alleles in individuals of East Asian descent in gnomAD. At this time, the clinical significance of this variant is uncertain due to the absence of conclusive functional and genetic evidence.